The following is an entry in ClinVar:

NM_001164508.2(NEB):c.25298-2A>C

Genes: NEB (nebulin; minus strand), RIF1 (replication timing regulatory factor 1; plus strand). Cytogenetic location: 2q23.3.
Variant type: single nucleotide variant.
Coding change: c.25298-2A>C on transcript NM_001164508.2 (MANE Select); the canonical splice acceptor site of the intron before coding-DNA position 25298, A replaced by C.
Molecular consequence: splice acceptor variant.
Genome position (GRCh38, 1-based): chr2:151,490,079, T>G on the plus strand (A>C on the coding strand, the complement: NEB is on the minus strand). VCF-style: chr2-151490079-T-G. GRCh37 (hg19) VCF-style: chr2-152346593-T-G.
Other names: c.19730-2A>C (NM_004543.5); c.25298-2A>C (NM_001164507.2); c.25403-2A>C (NM_001271208.2).
Identifiers: ClinVar variation 2026364 (VCV002026364.4), dbSNP rs2551647849, ClinGen allele CA348770887.
Genomic context (GRCh38, chr2:151,490,079, plus strand): 5'-GGTAGCAACTGAAGATGATCGTTGTTGTGGGAGCTCTGTGGTTTTTGCATGTTTGTAAGC[T>G]GAAAAAAAGGGGGCAAATTCTTTATAAGAAGAAAAATGGCTAGGTATCCTTTAATCTGTG-3'

ClinVar aggregate classification (germline): Likely pathogenic (1 of 4 stars; one submission).

Conditions:
Nemaline myopathy 2 (NEM2). Also called: Nemaline myopathy 2, autosomal recessive. Identifiers: MedGen C1850569, MONDO:0009725, OMIM 256030.

Submission:

Labcorp Genetics (formerly Invitae), Labcorp
Classification: Likely pathogenic for Nemaline myopathy 2. Last evaluated: 2022-08-22. Review status: criteria provided, single submitter. Criteria: Invitae Variant Classification Sherloc (09022015). Collection method: clinical testing. Allele origin: germline.
Comment: In summary, the currently available evidence indicates that the variant is pathogenic, but additional data are needed to prove that conclusively. Therefore, this variant has been classified as Likely Pathogenic. Algorithms developed to predict the effect of sequence changes on RNA splicing suggest that this variant may disrupt the consensus splice site. This variant has not been reported in the literature in individuals affected with NEB-related conditions. This variant is not present in population databases (gnomAD no frequency). This sequence change affects an acceptor splice site in intron 181 of the NEB gene. It is expected to disrupt RNA splicing. Variants that disrupt the donor or acceptor splice site typically lead to a loss of protein function (PMID: 16199547), and loss-of-function variants in NEB are known to be pathogenic (PMID: 25205138).

Literature cited by the submitters: PubMed 16199547; PubMed 25205138.